The following is an entry in ClinVar:

NM_007294.4(BRCA1):c.670G>A (p.Ala224Thr)

Gene: BRCA1 (BRCA1 DNA repair associated; minus strand). Cytogenetic location: 17q21.31.
Variant type: single nucleotide variant.
Coding change: c.670G>A on transcript NM_007294.4 (MANE Select); coding-DNA position 670, G replaced by A.
Protein change: p.Ala224Thr; replaces alanine 224 with threonine.
Molecular consequence: missense variant. On other transcripts: non-coding transcript variant (1).
Genome position (GRCh38, 1-based): chr17:43,095,846, C>T on the plus strand (G>A on the coding strand, the complement: BRCA1 is on the minus strand). VCF-style: chr17-43095846-C-T. GRCh37 (hg19) VCF-style: chr17-41247863-C-T.
Other names: 789G>A; c.457G>A, p.Ala153Thr (NM_001407571.1, NM_001407853.1, NM_001407894.1 and 12 more transcripts); c.670G>A, p.Ala224Thr (NM_001407581.1, NM_001407582.1, NM_001407583.1 and 54 more transcripts); c.667G>A, p.Ala223Thr (NM_001407587.1, NM_001407590.1, NM_001407611.1 and 38 more transcripts); c.661G>A, p.Ala221Thr (NM_001407646.1, NM_001407647.1, NM_001408408.1); c.592G>A, p.Ala198Thr (NM_001407653.1, NM_001407654.1, NM_001407655.1 and 9 more transcripts); c.589G>A, p.Ala197Thr (NM_001407659.1, NM_001407660.1, NM_001407661.1 and 3 more transcripts); c.529G>A, p.Ala177Thr (NM_001407692.1, NM_001407694.1, NM_001407695.1 and 43 more transcripts); and 8 more; short protein forms A224T, A177T, A223T, G154S, A154T, A176T, A179T, G224S.
Identifiers: ClinVar variation 96954 (VCV000096954.38), dbSNP rs431825419, ClinGen allele CA003798.

ClinVar aggregate classification (germline): Uncertain significance. Review status: criteria provided, multiple submitters, no conflicts (2 of 4 stars). 11 submissions from 11 submitters: Uncertain significance (9). 2 of the submissions do not count toward it. Last evaluated 2025-10-28.

Conditions:
BRCA1-related cancer predisposition. Identifiers: MedGen CN377757, MONDO:0700268.
Breast-ovarian cancer, familial, susceptibility to, 1 (BROVCA1). Also called: BRCA1 Hereditary Breast and Ovarian Cancer; OVARIAN CANCER, SUSCEPTIBILITY TO. Identifiers: Orphanet 145, MedGen C2676676, MONDO:0011450, OMIM 604370. Disease mechanism: loss of function.
Hereditary cancer-predisposing syndrome. Also called: Hereditary Cancer Syndrome; Neoplastic Syndromes, Hereditary; Hereditary neoplastic syndrome; Tumor predisposition. Identifiers: Orphanet 140162, MedGen C0027672, MeSH D009386, MONDO:0015356.
Hereditary breast ovarian cancer syndrome. Also called: Hereditary breast and/or ovarian cancer syndrome; Hereditary breast and ovarian cancer syndrome; Hereditary breast and ovarian cancer; Hereditary breast and ovarian cancer syndrome (HBOC); Breast and ovarian cancer; BRCA1- and BRCA2-Associated Hereditary Breast and Ovarian Cancer. Identifiers: Orphanet 145, MedGen C0677776, MeSH D061325, MONDO:0003582. Disease mechanism: loss of function.
Breast and/or ovarian cancer. Identifiers: MedGen CN221562.

gnomAD v4.1: 1 of 1,612,828 alleles (0.000062%); highest among the groups gnomAD compares: Non-Finnish European, 0.000085%; no homozygotes.

Submissions (11):

Baylor Genetics
Classification: Uncertain significance for Breast-ovarian cancer, familial, susceptibility to, 1. Last evaluated: 2025-10-28. Review status: criteria provided, single submitter. Criteria: ACMG Guidelines, 2015. Collection method: clinical testing. Allele origin: unknown.
Comment: The c.670G>A (p.A224T) variant in the BRCA1 gene has not been observed in the gnomAD v2.1.1 non-cancer dataset. RNA studies showed the variant results in aberrant splicing of exon 9 skipping that introduces a deletion with a premature stop codon (internal data). However, studies showed that BRCA1 isoform lacking exons 8 and 9 is expressed in normal blood and breast tissue and is sufficient to maintain BRCA1 tumor suppressor function (PMID: 24569164, 27008870). Individuals carrying another variant, c.[594-2A>C; 641A>G], similarly affecting exon 9 splicing, are not associated with increased BRCA-associated cancer risk (PMID: 27008870). As a result, the clinical impact of this splicing variant remains uncertain.

Labcorp Genetics (formerly Invitae), Labcorp
Classification: Uncertain significance for Hereditary breast ovarian cancer syndrome. Last evaluated: 2025-09-30. Review status: criteria provided, single submitter. Criteria: Invitae Variant Classification Sherloc (09022015). Collection method: clinical testing. Allele origin: germline.
Comment: This sequence change affects codon 224 of the BRCA1 mRNA. It is a 'silent' change, meaning that it does not change the encoded amino acid sequence of the BRCA1 protein. Loss-of-function variants in BRCA1 are expected to be pathogenic (PMID: 20104584). However, an in-frame BRCA1 isoform lacking exons 8 and 9 (also known as exons 9 and 10) is highly expressed in blood from unaffected individuals and in normal breast tissue; this isoform may retain protein function and could functionally rescue loss-of-function variants within exons 8-9 (PMID: 24569164). This variant is not present in population databases (gnomAD no frequency). This variant has not been reported in the literature in individuals affected with BRCA1-related conditions. ClinVar contains an entry for this variant (Variation ID: 96954). An algorithm developed to predict the effect of missense changes on protein structure and function outputs the following: PolyPhen-2: "Benign". The threonine amino acid residue is found in multiple mammalian species, which suggests that this missense change does not adversely affect protein function. Variants that disrupt the consensus splice site are a relatively common cause of aberrant splicing (PMID: 17576681, 9536098). Studies have shown this variant is associated with multiple isoforms, but one or more of the resulting mRNA isoform(s) may be naturally occurring (PMID: 24569164, 32398771; internal data). In summary, the available evidence is currently insufficient to determine the role of this variant in disease. Therefore, it has been classified as a Variant of Uncertain Significance.

GeneDx
Classification: Uncertain significance. Last evaluated: 2025-03-31. Review status: criteria provided, single submitter. Criteria: GeneDx Variant Classification Process June 2021. Collection method: clinical testing. Allele origin: germline. Affected: yes.
Comment: Published functional studies suggest this variant is a naturally occurring isoform identified in blood and breast tissue from unaffected individuals (PMID: 24569164); In silico analysis indicates that this missense variant does not alter protein structure/function; Not observed at significant frequency in large population cohorts (gnomAD); In silico analysis supports a deleterious effect on splicing; Also known as 789G>A; This variant is associated with the following publications: (PMID: 20215511, 9582019, 9926942, 9788437, Loureiro2022[thesis], 24569164)

All of Us Research Program, National Institutes of Health
Classification: Uncertain significance for BRCA1-related cancer predisposition. Last evaluated: 2024-03-14. Review status: criteria provided, single submitter. Criteria: ACMG Guidelines, 2015. Collection method: clinical testing. Allele origin: germline. Inheritance: Autosomal dominant inheritance. Observed: 1 variant allele, 1 heterozygote.
Comment: This missense variant replaces alanine with threonine at codon 224 of the BRCA1 protein. Computational prediction is inconclusive regarding the impact of this variant on protein structure and function (internally defined REVEL score threshold 0.5 < inconclusive < 0.7, PMID: 27666373). Splice site prediction tools suggest that this variant may impact RNA splicing at intron 9. However, there is a naturally-occurring BRCA1 mRNA transcript that lacks exons 8 and 9 (PMID: 27008870). To our knowledge, functional studies have not been reported for this variant. This variant has not been reported in individuals affected with hereditary cancer in the literature. This variant has not been identified in the general population by the Genome Aggregation Database (gnomAD). The available evidence is insufficient to determine the role of this variant in disease conclusively. Therefore, this variant is classified as a Variant of Uncertain Significance.

This study involves interpretation of variants in research participants for the purpose of population health screening. Participant phenotype was not available at the time of variant classification. Additional details can be found in publication PMID: 35346344, PMCID: PMC8962531

Ambry Genetics
Classification: Uncertain significance for Hereditary cancer-predisposing syndrome. Last evaluated: 2024-02-29. Review status: criteria provided, single submitter. Criteria: Ambry Variant Classification Scheme 2023. Collection method: clinical testing. Allele origin: germline.
Comment: The p.A224T variant (also known as c.670G>A), located in coding exon 8 of the BRCA1 gene, results from a G to A substitution at nucleotide position 670. This change occurs in the last base pair of coding exon 8, which makes it likely to have some effect on normal mRNA splicing. In addition to potential splicing impact, this alteration changes the alanine at codon 224 to threonine, an amino acid with similar properties. This nucleotide position is highly conserved in available vertebrate species. In silico splice site analysis predicts that this alteration will weaken the native splice donor site; however, direct evidence is insufficient at this time (Ambry internal data). This alteration occurs at a splice junction that is located at a naturally occurring, alternatively spliced exon and, thus, the degree and effects of abnormal splicing cannot be predicted (Colombo M et al. Hum. Mol. Genet., 2014 Jul;23:3666-80). In addition, as a missense substitution this alteration is predicted to be deleterious by in silico analysis. Based on the available evidence, the clinical significance of this alteration remains unclear.

Color Diagnostics, LLC DBA Color Health
Classification: Uncertain significance for Hereditary cancer-predisposing syndrome. Last evaluated: 2024-02-08. Review status: criteria provided, single submitter. Criteria: ACMG Guidelines, 2015. Collection method: clinical testing. Allele origin: germline.
Comment: This missense variant replaces alanine with threonine at codon 224 of the BRCA1 protein. Computational prediction is inconclusive regarding the impact of this variant on protein structure and function. Splice site prediction tools suggest that this variant may impact RNA splicing at intron 9. However, there is a naturally-occurring BRCA1 mRNA transcript that lacks exons 8 and 9, which could attenuate deleterious splicing impacts at the intron 9 donor site (PMID: 27008870). To our knowledge, functional studies have not been reported for this variant. This variant has not been reported in individuals affected with hereditary cancer in the literature. This variant has not been identified in the general population by the Genome Aggregation Database (gnomAD). The available evidence is insufficient to determine the role of this variant in disease conclusively. Therefore, this variant is classified as a Variant of Uncertain Significance.

Quest Diagnostics Nichols Institute San Juan Capistrano
Classification: Uncertain significance. Last evaluated: 2023-09-12. Review status: criteria provided, single submitter. Criteria: Quest Diagnostics criteria. Collection method: clinical testing. Allele origin: unknown.
Comment: This variant has not been reported in the published literature. It also has not been reported in large, multi-ethnic general populations (Genome Aggregation Database). Analysis of this variant using software algorithms for the prediction of the effect of nucleotide changes on splicing yielded predictions that this variant may affect proper BRCA1 mRNA splicing . Based on the available information, we are unable to determine the clinical significance of this variant.

Women's Health and Genetics/Laboratory Corporation of America, LabCorp
Classification: Uncertain significance. Last evaluated: 2023-01-19. Review status: criteria provided, single submitter. Criteria: LabCorp Variant Classification Summary - May 2015. Collection method: clinical testing. Allele origin: germline.

CHEO Genetics Diagnostic Laboratory, Children's Hospital of Eastern Ontario
Classification: Uncertain significance for Breast and/or ovarian cancer. Last evaluated: 2020-01-14. Review status: criteria provided, single submitter. Criteria: ACMG Guidelines, 2015. Collection method: clinical testing. Allele origin: germline.

Counsyl
Classification: Uncertain significance for Breast-ovarian cancer, familial, susceptibility to, 1. Last evaluated: 2015-12-04. Review status: no assertion criteria provided. Collection method: clinical testing. Allele origin: unknown. Not counted in ClinVar's aggregate classification.

Sharing Clinical Reports Project (SCRP)
Classification: Uncertain significance for Breast-ovarian cancer, familial 1. Last evaluated: 2012-05-01. Review status: no assertion criteria provided. Collection method: clinical testing. Allele origin: germline. Not counted in ClinVar's aggregate classification.

Literature cited by the submitters: PubMed 20104584 (cited by Labcorp Genetics (formerly Invitae), Labcorp); PubMed 24569164 (cited by Labcorp Genetics (formerly Invitae), Labcorp and Quest Diagnostics Nichols Institute San Juan Capistrano); PubMed 17576681 (cited by Labcorp Genetics (formerly Invitae), Labcorp); PubMed 9536098 (cited by Labcorp Genetics (formerly Invitae), Labcorp); PubMed 32398771 (cited by Labcorp Genetics (formerly Invitae), Labcorp); PubMed 27008870 (cited by All of Us Research Program, National Institutes of Health and Color Diagnostics, LLC DBA Color Health).